The following is an entry in ClinVar:

ClinVar aggregate classification (germline): Uncertain significance. Review status: criteria provided, multiple submitters, no conflicts (2 of 4 stars). 3 submissions from 3 submitters: Uncertain significance (3). Last evaluated 2025-06-22.

Conditions:
Facioscapulohumeral muscular dystrophy 2 (FSHD2). Also called: FACIOSCAPULOHUMERAL MUSCULAR DYSTROPHY 2, DIGENIC; FSHD2, DIGENIC; MUSCULAR DYSTROPHY, FACIOSCAPULOHUMERAL, TYPE 1B. Identifiers: Orphanet 269, MedGen C1834671, MONDO:0008031, OMIM 158901.

Allele frequency attached by ClinVar (database versions not stated): gnomAD exomes 0.00002 and 0.00003; ExAC 0.00005; gnomAD 0.00007; TOPMed 0.00009; ESP Exome Variant Server 0.00017.
gnomAD v4.1: 33 of 1,610,414 alleles (0.002%); highest among the groups gnomAD compares: African/African-American, 0.015%; no homozygotes.

Submissions (3):

Labcorp Genetics (formerly Invitae), Labcorp
Classification: Uncertain significance for Facioscapulohumeral muscular dystrophy 2. Last evaluated: 2025-06-22. Review status: criteria provided, single submitter. Criteria: Invitae Variant Classification Sherloc (09022015). Collection method: clinical testing. Allele origin: germline.
Comment: This sequence change replaces arginine, which is basic and polar, with glutamine, which is neutral and polar, at codon 344 of the SMCHD1 protein (p.Arg344Gln). This variant is present in population databases (rs370983669, gnomAD 0.02%). This variant has not been reported in the literature in individuals affected with SMCHD1-related conditions. ClinVar contains an entry for this variant (Variation ID: 285999). Invitae Evidence Modeling of protein sequence and biophysical properties (such as structural, functional, and spatial information, amino acid conservation, physicochemical variation, residue mobility, and thermodynamic stability) has been performed for this missense variant. However, the output from this modeling did not meet the statistical confidence thresholds required to predict the impact of this variant on SMCHD1 protein function. In summary, the available evidence is currently insufficient to determine the role of this variant in disease. Therefore, it has been classified as a Variant of Uncertain Significance.

Revvity Omics, Revvity
Classification: Uncertain significance. Last evaluated: 2021-03-10. Review status: criteria provided, single submitter. Criteria: ACMG Guidelines, 2015. Collection method: clinical testing. Allele origin: germline.

Eurofins Ntd Llc (ga)
Classification: Uncertain significance. Last evaluated: 2016-02-02. Review status: criteria provided, single submitter. Criteria: EGL Classification Definitions 2015. Collection method: clinical testing. Allele origin: germline. Observed: 1 variant allele, 1 heterozygote.

NM_015295.3(SMCHD1):c.1031G>A (p.Arg344Gln)

Gene: SMCHD1 (structural maintenance of chromosomes flexible hinge domain containing 1; plus strand). Cytogenetic location: 18p11.32.
Variant type: single nucleotide variant.
Coding change: c.1031G>A on transcript NM_015295.3 (MANE Select); coding-DNA position 1031, G replaced by A.
Protein change: p.Arg344Gln; replaces arginine 344 with glutamine.
Molecular consequence: missense variant.
Genome position (GRCh38, 1-based): chr18:2,694,684, G>A. VCF-style: chr18-2694684-G-A. GRCh37 (hg19) VCF-style: chr18-2694682-G-A.
Other names: c.1031G>A (NM_015295.2); short protein forms R344Q.
Identifiers: ClinVar variation 285999 (VCV000285999.11), dbSNP rs370983669, ClinGen allele CA8870672.